The following is an entry in ClinVar:

NM_004656.4(BAP1):c.269_270del (p.Ser90fs)

Gene: BAP1 (BRCA1 associated deubiquitinase 1; minus strand). Cytogenetic location: 3p21.1.
Variant type: Microsatellite.
Coding change: c.269_270del on transcript NM_004656.4 (MANE Select); coding-DNA positions 269 to 270, 2 bases deleted (CT; older notation c.269_270delCT).
Protein change: p.Ser90fs; shifts the reading frame from serine 90.
Molecular consequence: frameshift variant.
Genome position (GRCh38, 1-based): chr3:52,408,063-52,408,064, AG deleted on the plus strand (CT on the coding strand, the reverse complement: BAP1 is on the minus strand); deleting any 2 consecutive bases within chr3:52,408,063-52,408,066 gives the same sequence; the c. name uses the placement nearest the transcript's 3' end. VCF-style (leftmost placement, unchanged base first): chr3-52408062-AAG-A. GRCh37 (hg19) VCF-style: chr3-52442078-AAG-A.
Other names: short protein forms S90fs.
Identifiers: ClinVar variation 1447511 (VCV001447511.6), dbSNP rs2153228147, ClinGen allele CA2580616482.

ClinVar aggregate classification (germline): Pathogenic (1 of 4 stars; one submission).

Conditions:
BAP1-related tumor predisposition syndrome (TPDS1). Also called: COMMON Syndrome; TUMOR PREDISPOSITION SYNDROME 1; BAP1 tumor predisposition syndrome; Tumor susceptibility linked to germline BAP1 mutations. Identifiers: Orphanet 289539, MedGen C3280492, MONDO:0013692, OMIM 614327.

Submission:

Labcorp Genetics (formerly Invitae), Labcorp
Classification: Pathogenic for BAP1-related tumor predisposition syndrome. Last evaluated: 2021-03-17. Review status: criteria provided, single submitter. Criteria: Invitae Variant Classification Sherloc (09022015). Collection method: clinical testing. Allele origin: germline.
Comment: For these reasons, this variant has been classified as Pathogenic. This variant has not been reported in the literature in individuals with BAP1-related conditions. This variant is not present in population databases (ExAC no frequency). This sequence change creates a premature translational stop signal (p.Ser90Leufs*35) in the BAP1 gene. It is expected to result in an absent or disrupted protein product. Loss-of-function variants in BAP1 are known to be pathogenic (PMID: 21874000, 23684012).

Literature cited by the submitters: PubMed 21874000; PubMed 23684012.